The following is an entry in ClinVar:

ClinVar aggregate classification (germline): Uncertain significance (1 of 4 stars; one submission).

Submission:

Labcorp Genetics (formerly Invitae), Labcorp
Classification: Uncertain significance. Last evaluated: 2019-08-06. Review status: criteria provided, single submitter. Criteria: Invitae Variant Classification Sherloc (09022015). Collection method: clinical testing. Allele origin: germline.
Comment: In summary, the available evidence is currently insufficient to determine the role of this variant in disease. Therefore, it has been classified as a Variant of Uncertain Significance. This variant has not been reported in the literature in individuals with RINT1-related conditions. This variant results in a copy number gain of the genomic region encompassing exons 13-15 of the RINT1 gene. The 5' boundary is likely confined to intron 12. The 3' end of this event is unknown as it extends beyond the assayed region for this gene and therefore may encompass additional genes. As the precise location of this event is unknown, it may be in tandem or it may be located elsewhere in the genome.

NC_000007.14:g.(?_105565267)_(105567311_?)dup

Gene: RINT1 (RAD50 interactor 1; plus strand). Cytogenetic location: 7q22.3.
Variant type: Duplication.
Identifiers: ClinVar variation 831431 (VCV000831431.5).